The following is an entry in ClinVar:

ClinVar aggregate classification (germline): Uncertain significance (1 of 4 stars; one submission).

Conditions:
Inborn genetic diseases. Identifiers: MedGen C0950123, MeSH D030342.

Submission:

Ambry Genetics
Classification: Uncertain significance for Inborn genetic diseases. Last evaluated: 2025-08-14. Review status: criteria provided, single submitter. Criteria: Ambry Variant Classification Scheme 2023. Collection method: clinical testing. Allele origin: germline.
Comment: The p.G36C variant (also known as c.106G>T), located in coding exon 1 of the CEBPA gene, results from a G to T substitution at nucleotide position 106. The glycine at codon 36 is replaced by cysteine, an amino acid with highly dissimilar properties. This amino acid position is conserved. In addition, this alteration is predicted to be tolerated by in silico analysis. Based on the available evidence, the clinical significance of this variant remains unclear.

NM_004364.5(CEBPA):c.106G>T (p.Gly36Cys)

Gene: CEBPA (CCAAT enhancer binding protein alpha; minus strand). Cytogenetic location: 19q13.11.
Variant type: single nucleotide variant.
Coding change: c.106G>T on transcript NM_004364.5 (MANE Select); coding-DNA position 106, G replaced by T.
Protein change: p.Gly36Cys; replaces glycine 36 with cysteine.
Molecular consequence: missense variant. On other transcripts: 5 prime UTR variant (1).
Genome position (GRCh38, 1-based): chr19:33,302,309, C>A on the plus strand (G>T on the coding strand, the complement: CEBPA is on the minus strand). VCF-style: chr19-33302309-C-A. GRCh37 (hg19) VCF-style: chr19-33793215-C-A.
Other names: c.-252G>T (NM_001285829.2); c.211G>T, p.Gly71Cys (NM_001287424.2); c.64G>T, p.Gly22Cys (NM_001287435.2); short protein forms G22C, G71C, G36C.
Identifiers: ClinVar variation 4225047 (VCV004225047.1).